The following is an entry in ClinVar:

NM_001031710.3(KLHL7):c.1754A>G (p.Glu585Gly)

Gene: KLHL7 (kelch like family member 7; plus strand). Cytogenetic location: 7p15.3.
Variant type: single nucleotide variant.
Coding change: c.1754A>G on transcript NM_001031710.3 (MANE Select); coding-DNA position 1754, A replaced by G.
Protein change: p.Glu585Gly; replaces glutamic acid 585 with glycine.
Molecular consequence: missense variant. On other transcripts: non-coding transcript variant (1).
Genome position (GRCh38, 1-based): chr7:23,174,291, A>G. VCF-style: chr7-23174291-A-G. GRCh37 (hg19) VCF-style: chr7-23213910-A-G.
Other names: c.1610A>G, p.Glu537Gly (NM_018846.5); short protein forms E585G, E537G.
Identifiers: ClinVar variation 1918562 (VCV001918562.6), dbSNP rs1785242135, ClinGen allele CA366982967.

ClinVar aggregate classification (germline): Uncertain significance. Review status: criteria provided, multiple submitters, no conflicts (2 of 4 stars). 2 submissions from 2 submitters: Uncertain significance (2). Last evaluated 2024-07-12.

Allele frequency attached by ClinVar (database versions not stated): TOPMed below 0.00001; gnomAD 0.00001.
gnomAD v4.1: 1 of 1,614,046 alleles (0.000062%); highest among the groups gnomAD compares: Admixed American, 0.0017%; no homozygotes.

Submissions (2):

Labcorp Genetics (formerly Invitae), Labcorp
Classification: Uncertain significance. Last evaluated: 2024-07-12. Review status: criteria provided, single submitter. Criteria: Invitae Variant Classification Sherloc (09022015). Collection method: clinical testing. Allele origin: germline.
Comment: This sequence change replaces glutamic acid, which is acidic and polar, with glycine, which is neutral and non-polar, at codon 585 of the KLHL7 protein (p.Glu585Gly). This variant is not present in population databases (gnomAD no frequency). This variant has not been reported in the literature in individuals affected with KLHL7-related conditions. ClinVar contains an entry for this variant (Variation ID: 1918562). An algorithm developed to predict the effect of missense changes on protein structure and function (PolyPhen-2) suggests that this variant is likely to be tolerated. In summary, the available evidence is currently insufficient to determine the role of this variant in disease. Therefore, it has been classified as a Variant of Uncertain Significance.

Blueprint Genetics
Classification: Uncertain significance. Last evaluated: 2022-08-25. Review status: criteria provided, single submitter. Criteria: ACMG Guidelines, 2015. Collection method: clinical testing. Allele origin: germline.